The following is an entry in ClinVar:

NM_000868.4(HTR2C):c.1044del (p.Lys348fs)

Genes: HTR2C (5-hydroxytryptamine receptor 2C; plus strand), LOC126863306 (MED14-independent group 3 enhancer GRCh37_chrX:114140926-114142125; plus strand). Cytogenetic location: Xq23.
Variant type: Deletion.
Coding change: c.1044del on transcript NM_000868.4 (MANE Select); coding-DNA position 1044, one base deleted (G; older notation c.1044delG).
Protein change: p.Lys348fs; shifts the reading frame from lysine 348.
Molecular consequence: frameshift variant. On other transcripts: 3 prime UTR variant (1).
Genome position (GRCh38, 1-based): chrX:114,907,082, G deleted. VCF-style (leftmost placement, unchanged base first): chrX-114907081-AG-A. GRCh37 (hg19) VCF-style: chrX-114141644-AG-A.
Other names: c.1044del, p.Lys348fs (NM_001256760.3); c.*202del (NM_001256761.3); short protein forms K348fs.
Identifiers: ClinVar variation 5001483 (VCV005001483.1).

ClinVar aggregate classification (germline): Uncertain significance (1 of 4 stars; one submission).

Conditions:
HTR2C-related disorder. Also called: HTR2C-related condition.

Submission:

PreventionGenetics, part of Exact Sciences
Classification: Uncertain significance for HTR2C-related condition. Last evaluated: 2024-12-18. Review status: criteria provided, single submitter. Criteria: ACMG Guidelines, 2015. Collection method: clinical testing. Allele origin: germline.
Comment: The HTR2C c.1044delG variant is predicted to result in a frameshift and premature protein termination (p.Lys348Asnfs*3). To our knowledge, this variant has not been reported in the literature or in a large population database (gnomAD), indicating this variant is rare. This variant is located in the last exon of HTR2C, and therefore may or may not undergo nonsense-mediated decay. At this time, the clinical significance of this variant is uncertain due to the absence of conclusive functional and genetic evidence.